The following is an entry in ClinVar:

ClinVar aggregate classification (germline): Uncertain significance (1 of 4 stars; one submission).

Submission:

GeneDx
Classification: Uncertain significance. Last evaluated: 2024-05-14. Review status: criteria provided, single submitter. Criteria: GeneDx Variant Classification Process June 2021. Collection method: clinical testing. Allele origin: germline. Affected: yes.
Comment: Not observed at significant frequency in large population cohorts (gnomAD); In silico analysis supports that this missense variant has a deleterious effect on protein structure/function; Has not been previously published as pathogenic or benign to our knowledge

NM_001270.4(CHD1):c.2479C>T (p.Arg827Cys)

Gene: CHD1 (chromodomain helicase DNA binding protein 1; minus strand). Cytogenetic location: 5q15.
Variant type: single nucleotide variant.
Coding change: c.2479C>T on transcript NM_001270.4 (MANE Select); coding-DNA position 2479, C replaced by T.
Protein change: p.Arg827Cys; replaces arginine 827 with cysteine.
Molecular consequence: missense variant. On other transcripts: non-coding transcript variant (2).
Genome position (GRCh38, 1-based): chr5:98,888,105, G>A on the plus strand (C>T on the coding strand, the complement: CHD1 is on the minus strand). VCF-style: chr5-98888105-G-A. GRCh37 (hg19) VCF-style: chr5-98223809-G-A.
Other names: c.2479C>T, p.Arg827Cys (NM_001364113.3, NM_001376194.2); short protein forms R827C.
Identifiers: ClinVar variation 3252166 (VCV003252166.1), dbSNP rs2479600402.
Genomic context (GRCh38, chr5:98,888,105, plus strand): 5'-AATTAGATAAAATTTAAAACAACAAATACAATTAAATGCTTACTTGAAAGGGGAATTGAC[G>A]ATATTTCAAATATTCTGCAAGTATATCTAACATCCGCACCATTTGTGAAAAAATAAGAAC-3'
Protein context (NP_001261.2, residues 817-837): LDILAEYLKY[Arg827Cys]QFPFQRLDGS